The following is an entry in ClinVar:

ClinVar aggregate classification (germline): Uncertain significance (1 of 4 stars; one submission).

Submission:

GeneDx
Classification: Uncertain significance. Last evaluated: 2025-02-07. Review status: criteria provided, single submitter. Criteria: GeneDx Variant Classification Process June 2021. Collection method: clinical testing. Allele origin: germline. Affected: yes.
Comment: Not observed at significant frequency in large population cohorts (gnomAD); In silico analysis supports that this missense variant has a deleterious effect on protein structure/function; Has not been previously published as pathogenic or benign to our knowledge

NM_001008537.3(NEXMIF):c.1018A>G (p.Ser340Gly)

Gene: NEXMIF (neurite extension and migration factor; minus strand). Cytogenetic location: Xq13.3.
Variant type: single nucleotide variant.
Coding change: c.1018A>G on transcript NM_001008537.3 (MANE Select); coding-DNA position 1018, A replaced by G.
Protein change: p.Ser340Gly; replaces serine 340 with glycine.
Molecular consequence: missense variant.
Genome position (GRCh38, 1-based): chrX:74,743,539, T>C on the plus strand (A>G on the coding strand, the complement: NEXMIF is on the minus strand). VCF-style: chrX-74743539-T-C. GRCh37 (hg19) VCF-style: chrX-73963374-T-C.
Other names: short protein forms S340G.
Identifiers: ClinVar variation 4077205 (VCV004077205.1).